The following is an entry in ClinVar:

ClinVar aggregate classification (germline): Uncertain significance. Review status: criteria provided, multiple submitters, no conflicts (2 of 4 stars). 2 submissions from 2 submitters: Uncertain significance (2). Last evaluated 2022-12-27.

Conditions:
Inborn genetic diseases. Identifiers: MedGen C0950123, MeSH D030342.

Allele frequency attached by ClinVar (database versions not stated): gnomAD 0.00007; ExAC 0.00008; TOPMed 0.00008; gnomAD exomes 0.00009; ESP Exome Variant Server 0.00015.
gnomAD v4.1: 134 of 1,611,838 alleles (0.0083%); highest among the groups gnomAD compares: Non-Finnish European, 0.011%; no homozygotes.

Submissions (2):

Ambry Genetics
Classification: Uncertain significance for Inborn genetic diseases. Last evaluated: 2022-12-27. Review status: criteria provided, single submitter. Criteria: Ambry Variant Classification Scheme 2023. Collection method: clinical testing. Allele origin: germline.

Labcorp Genetics (formerly Invitae), Labcorp
Classification: Uncertain significance. Last evaluated: 2022-05-13. Review status: criteria provided, single submitter. Criteria: Invitae Variant Classification Sherloc (09022015). Collection method: clinical testing. Allele origin: germline.
Comment: This sequence change replaces arginine, which is basic and polar, with glutamine, which is neutral and polar, at codon 605 of the C2CD3 protein (p.Arg605Gln). This variant is present in population databases (rs143218843, gnomAD 0.02%). This variant has not been reported in the literature in individuals affected with C2CD3-related conditions. Algorithms developed to predict the effect of missense changes on protein structure and function are either unavailable or do not agree on the potential impact of this missense change (SIFT: "Tolerated"; PolyPhen-2: "Possibly Damaging"; Align-GVGD: "Class C0"). In summary, the available evidence is currently insufficient to determine the role of this variant in disease. Therefore, it has been classified as a Variant of Uncertain Significance.

NM_001286577.2(C2CD3):c.1814G>A (p.Arg605Gln)

Gene: C2CD3 (C2 domain containing 3 centriole elongation regulator; minus strand). Cytogenetic location: 11q13.4.
Variant type: single nucleotide variant.
Coding change: c.1814G>A on transcript NM_001286577.2 (MANE Select); coding-DNA position 1814, G replaced by A.
Protein change: p.Arg605Gln; replaces arginine 605 with glutamine.
Molecular consequence: missense variant.
Genome position (GRCh38, 1-based): chr11:74,113,809, C>T on the plus strand (G>A on the coding strand, the complement: C2CD3 is on the minus strand). VCF-style: chr11-74113809-C-T. GRCh37 (hg19) VCF-style: chr11-73824854-C-T.
Other names: c.1814G>A, p.Arg605Gln (NM_015531.6); c.1814G>A (NM_015531.4); short protein forms R605Q.
Identifiers: ClinVar variation 2160182 (VCV002160182.3), dbSNP rs143218843, ClinGen allele CA6182847.